The following is an entry in ClinVar:

ClinVar aggregate classification (germline): Likely benign (1 of 4 stars; one submission).

Allele frequency attached by ClinVar (database versions not stated): TOPMed 0.00002; gnomAD 0.00003; gnomAD exomes 0.00008; 1000 Genomes Project 30x 0.00016; ExAC 0.00017; 1000 Genomes Project 0.00020.
gnomAD v4.1: 127 of 1,614,084 alleles (0.0079%); highest among the groups gnomAD compares: South Asian, 0.11%; 2 homozygotes.

Submission:

CeGaT Center for Human Genetics Tuebingen
Classification: Likely benign. Last evaluated: 2025-03-01. Review status: criteria provided, single submitter. Criteria: CeGaT Center For Human Genetics Tuebingen Variant Classification Criteria Version 2. Collection method: clinical testing. Allele origin: germline. Affected: yes. Observed: 2 variant alleles.
Comment: SPEN: BP4, BP7

NM_015001.3(SPEN):c.4851C>T (p.Pro1617=)

Gene: SPEN (spen family transcriptional repressor; plus strand). Cytogenetic location: 1p36.13.
Variant type: single nucleotide variant.
Coding change: c.4851C>T on transcript NM_015001.3 (MANE Select); coding-DNA position 4851, C replaced by T.
Protein change: p.Pro1617=; no amino-acid change (proline 1617 retained).
Molecular consequence: synonymous variant.
Genome position (GRCh38, 1-based): chr1:15,931,091, C>T. VCF-style: chr1-15931091-C-T. GRCh37 (hg19) VCF-style: chr1-16257586-C-T.
Identifiers: ClinVar variation 3025296 (VCV003025296.22), dbSNP rs200027816, ClinGen allele CA619629.